The following is an entry in ClinVar:

ClinVar aggregate classification (germline): Likely benign. Review status: reviewed by expert panel (3 of 4 stars). 3 submissions from 3 submitters: Likely benign (1). 2 of the submissions do not count toward it. Last evaluated 2024-12-06.

Conditions:
Mucopolysaccharidosis type 1. Also called: Mucopolysaccharidosis Type I; IDUA deficiency; MPS I. Identifiers: Orphanet 579, MedGen C0023786, MONDO:0001586.

Allele frequency attached by ClinVar (database versions not stated): ExAC 0.00002; gnomAD 0.00001; TOPMed 0.00001; gnomAD exomes 0.00002.
gnomAD v4.1: 11 of 1,612,172 alleles (0.00068%); highest among the groups gnomAD compares: Admixed American, 0.0084%; no homozygotes.

Submissions (3):

ClinGen Lysosomal Storage Disorder Variant Curation Expert Panel
Classification: Likely benign for Mucopolysaccharidosis type 1. Last evaluated: 2024-12-06. Review status: reviewed by expert panel. Criteria: ClinGen LSD ACMG Specifications IDUA V1.0.0. Collection method: curation. Allele origin: germline. Inheritance: Autosomal recessive inheritance.
Comment: The NM_000203.5:c.1771G>A variant in IDUA is predicted to result in the substitution of alanine by threonine at amino acid 591 (p.Ala591Thr). While phasing studies were not reported, it is likely that p.Ala591Thr is in cis with one of these variants. Furthermore, when transiently expressed in COS cells, the variant resulted in 108% of wild type activity (PMID: 11735025) (BS3_Supporting). The computational predictor REVEL gives a score of 0.137 which is below the threshold of 0.29, evidence that does not predict a damaging effect on IDUA function (PMID: 36413997)(BP4). The highest population minor allele frequency in gnomAD v4.1.0 is 0.00008361 (5/59802 alleles) in the Admixed American population, which is lower than the ClinGen Lysosomal Diseases VCEP’s threshold for PM2_Supporting (<0.00025), meeting this criterion (PM2_Supporting). While the rarity of this variant supports pathogenicity, this evidence is outweighed by the data supporting benignity. There is a ClinVar entry for this variant (Variantion ID: 92635). In summary, this variant meets the criteria to be classified as likely benign for mucopolysaccharidosis type 1. IDUA-specific ACMG/AMP criteria applied, as specified by the ClinGen LD VCEP (Specifications Version 1.0.0): BP4, BS3_Supporting, PM2_Supporting. (Classification approved by the ClinGen Lysosomal Diseases Variant Curation Expert Panel on December 6, 2024)

Labcorp Genetics (formerly Invitae), Labcorp
Classification: Uncertain significance for Mucopolysaccharidosis type 1. Last evaluated: 2022-10-25. Review status: criteria provided, single submitter. Criteria: Invitae Variant Classification Sherloc (09022015). Collection method: clinical testing. Allele origin: germline. Not counted in ClinVar's aggregate classification.
Comment: This sequence change replaces alanine, which is neutral and non-polar, with threonine, which is neutral and polar, at codon 591 of the IDUA protein (p.Ala591Thr). This variant is present in population databases (rs398123257, gnomAD 0.006%). This missense change has been observed in individual(s) with Hurler syndrome (PMID: 11735025). ClinVar contains an entry for this variant (Variation ID: 92635). Advanced modeling of protein sequence and biophysical properties (such as structural, functional, and spatial information, amino acid conservation, physicochemical variation, residue mobility, and thermodynamic stability) performed at Invitae indicates that this missense variant is not expected to disrupt IDUA protein function. Experimental studies have shown that this missense change does not substantially affect IDUA function (PMID: 11735025). In summary, the available evidence is currently insufficient to determine the role of this variant in disease. Therefore, it has been classified as a Variant of Uncertain Significance.

Eurofins Ntd Llc (ga)
Classification: Benign. Last evaluated: 2012-07-31. Review status: criteria provided, single submitter. Criteria: EGL Classification Definitions 2015. Collection method: clinical testing. Allele origin: germline. Observed: 2 variant alleles, 2 heterozygotes. Not counted in ClinVar's aggregate classification.

Literature cited by the submitters: PubMed 11735025 (cited by ClinGen Lysosomal Storage Disorder Variant Curation Expert Panel and Labcorp Genetics (formerly Invitae), Labcorp).

NM_000203.5(IDUA):c.1771G>A (p.Ala591Thr)

Gene: IDUA (alpha-L-iduronidase; plus strand). Cytogenetic location: 4p16.3.
Variant type: single nucleotide variant.
Coding change: c.1771G>A on transcript NM_000203.5 (MANE Select); coding-DNA position 1771, G replaced by A.
Protein change: p.Ala591Thr; replaces alanine 591 with threonine.
Molecular consequence: missense variant. On other transcripts: non-coding transcript variant (1).
Genome position (GRCh38, 1-based): chr4:1,004,055, G>A. VCF-style: chr4-1004055-G-A. GRCh37 (hg19) VCF-style: chr4-997843-G-A.
Other names: NM_000203.5(IDUA):c.1771G>A; c.1375G>A, p.Ala459Thr (NM_001363576.1); short protein forms A591T, A459T.
Identifiers: ClinVar variation 92635 (VCV000092635.12), dbSNP rs398123257, ClinGen allele CA145876.